The following is an entry in ClinVar:

NM_000057.4(BLM):c.1937G>C (p.Ser646Thr)

Gene: BLM (BLM RecQ like helicase; plus strand). Cytogenetic location: 15q26.1.
Variant type: single nucleotide variant.
Coding change: c.1937G>C on transcript NM_000057.4 (MANE Select); coding-DNA position 1937, G replaced by C.
Protein change: p.Ser646Thr; replaces serine 646 with threonine.
Molecular consequence: missense variant.
Genome position (GRCh38, 1-based): chr15:90,763,020, G>C. VCF-style: chr15-90763020-G-C. GRCh37 (hg19) VCF-style: chr15-91306250-G-C.
Other names: c.1937G>C, p.Ser646Thr (NM_001287246.2, NM_001287247.2); c.812G>C, p.Ser271Thr (NM_001287248.2); short protein forms S271T, S646T.
Identifiers: ClinVar variation 2827825 (VCV002827825.3), dbSNP rs1896027157, ClinGen allele CA393844178.

ClinVar aggregate classification (germline): Uncertain significance (1 of 4 stars; one submission).

Conditions:
Bloom syndrome (BLM). Also called: Bloom-Torre-Machacek syndrome. Identifiers: Orphanet 125, MedGen C0005859, MONDO:0008876, OMIM 210900.

Allele frequency attached by ClinVar (database versions not stated): TOPMed below 0.00001.
gnomAD v4.1: 1 of 1,613,806 alleles (0.000062%); no homozygotes.

Submission:

Labcorp Genetics (formerly Invitae), Labcorp
Classification: Uncertain significance for Bloom syndrome. Last evaluated: 2023-10-05. Review status: criteria provided, single submitter. Criteria: Invitae Variant Classification Sherloc (09022015). Collection method: clinical testing. Allele origin: germline.
Comment: This sequence change replaces serine, which is neutral and polar, with threonine, which is neutral and polar, at codon 646 of the BLM protein (p.Ser646Thr). This variant is not present in population databases (gnomAD no frequency). This variant has not been reported in the literature in individuals affected with BLM-related conditions. Advanced modeling of protein sequence and biophysical properties (such as structural, functional, and spatial information, amino acid conservation, physicochemical variation, residue mobility, and thermodynamic stability) performed at Invitae indicates that this missense variant is not expected to disrupt BLM protein function. In summary, the available evidence is currently insufficient to determine the role of this variant in disease. Therefore, it has been classified as a Variant of Uncertain Significance.